The following is an entry in ClinVar:

NM_032977.4(CASP10):c.416A>C (p.Lys139Thr)

Gene: CASP10 (caspase 10; plus strand). Cytogenetic location: 2q33.1.
Variant type: single nucleotide variant.
Coding change: c.416A>C on transcript NM_032977.4 (MANE Select); coding-DNA position 416, A replaced by C.
Protein change: p.Lys139Thr; replaces lysine 139 with threonine.
Molecular consequence: missense variant.
Genome position (GRCh38, 1-based): chr2:201,187,774, A>C. VCF-style: chr2-201187774-A-C. GRCh37 (hg19) VCF-style: chr2-202052497-A-C.
Other names: c.416A>C, p.Lys139Thr (NM_001306083.2, NM_032974.5, NM_032976.4 and 3 more transcripts); short protein forms K139T.
Identifiers: ClinVar variation 2104193 (VCV002104193.4), dbSNP rs776589858, ClinGen allele CA2052855.
Genomic context (GRCh38, chr2:201,187,774, plus strand): 5'-TCTACGAACTGTCAGAAGGCATTGACTCAGAGAACTTAAAGGACATGATCTTCCTTCTGA[A>C]AGACTCGCTTCCCAAAACTGAAATGGTGAGTGGGTCATACAGAATGGGTCTGTGTGAGCA-3'
Protein context (NP_116759.2, residues 129-149): ENLKDMIFLL[Lys139Thr]DSLPKTEMTS

ClinVar aggregate classification (germline): Uncertain significance (1 of 4 stars; one submission).

Conditions:
Autoimmune lymphoproliferative syndrome type 2A (ALPS2A). Also called: Autoimmune lymphoproliferative syndrome type 2; CASP10-Related Autoimmune Lymphoproliferative Syndrome; AUTOIMMUNE LYMPHOPROLIFERATIVE SYNDROME, TYPE IIA. Identifiers: Orphanet 3261, MedGen C1858968, MONDO:0011383, OMIM 603909.

Allele frequency attached by ClinVar (database versions not stated): ExAC 0.00001; gnomAD 0.00001; gnomAD exomes 0.00001; TOPMed 0.00001.
gnomAD v4.1: 6 of 1,613,980 alleles (0.00037%); highest among the groups gnomAD compares: South Asian, 0.0033%; no homozygotes.

Submission:

Labcorp Genetics (formerly Invitae), Labcorp
Classification: Uncertain significance for Autoimmune lymphoproliferative syndrome type 2A. Last evaluated: 2025-05-27. Review status: criteria provided, single submitter. Criteria: Invitae Variant Classification Sherloc (09022015). Collection method: clinical testing. Allele origin: germline.
Comment: This sequence change replaces lysine, which is basic and polar, with threonine, which is neutral and polar, at codon 139 of the CASP10 protein (p.Lys139Thr). This variant is present in population databases (rs776589858, gnomAD 0.006%). This variant has not been reported in the literature in individuals affected with CASP10-related conditions. ClinVar contains an entry for this variant (Variation ID: 2104193). Invitae Evidence Modeling of protein sequence and biophysical properties (such as structural, functional, and spatial information, amino acid conservation, physicochemical variation, residue mobility, and thermodynamic stability) indicates that this missense variant is not expected to disrupt CASP10 protein function with a negative predictive value of 80%. In summary, the available evidence is currently insufficient to determine the role of this variant in disease. Therefore, it has been classified as a Variant of Uncertain Significance.